The following is an entry in ClinVar:

NM_000069.3(CACNA1S):c.399-7A>C

Gene: CACNA1S (calcium voltage-gated channel subunit alpha1 S; minus strand). Cytogenetic location: 1q32.1.
Variant type: single nucleotide variant.
Coding change: c.399-7A>C on transcript NM_000069.3 (MANE Select); 7 bases into the intron before coding-DNA position 399, A replaced by C.
Molecular consequence: intron variant.
Genome position (GRCh38, 1-based): chr1:201,092,121, T>G on the plus strand (A>C on the coding strand, the complement: CACNA1S is on the minus strand). VCF-style: chr1-201092121-T-G. GRCh37 (hg19) VCF-style: chr1-201061249-T-G.
Identifiers: ClinVar variation 3069569 (VCV003069569.1), dbSNP rs1475354525, ClinGen allele CA2649754789.

ClinVar aggregate classification (germline): Likely benign (1 of 4 stars; one submission).

Conditions:
Malignant hyperthermia, susceptibility to, 5 (MHS5). Also called: CACNA1S-Related Malignant Hyperthermia Susceptibility. Identifiers: Orphanet 423, MedGen C1866077, MONDO:0011163, OMIM 601887.

gnomAD v4.1: 6 of 1,613,828 alleles (0.00037%); highest among the groups gnomAD compares: Non-Finnish European, 0.00051%; no homozygotes.

Submission:

All of Us Research Program, National Institutes of Health
Classification: Likely benign for Malignant hyperthermia, susceptibility to, 5. Last evaluated: 2023-08-28. Review status: criteria provided, single submitter. Criteria: ACMG Guidelines, 2015. Collection method: clinical testing. Allele origin: germline. Inheritance: Autosomal dominant inheritance. Observed: 2 variant alleles, 2 heterozygotes.
Comment: This study involves interpretation of variants in research participants for the purpose of population health screening. Participant phenotype was not available at the time of variant classification. Additional details can be found in publication PMID: 35346344, PMCID: PMC8962531